The following is an entry in ClinVar:

NM_205768.3(ZBTB18):c.228C>A (p.Ser76Arg)

Gene: ZBTB18 (zinc finger and BTB domain containing 18; plus strand). Cytogenetic location: 1q44.
Variant type: single nucleotide variant.
Coding change: c.228C>A on transcript NM_205768.3 (MANE Select); coding-DNA position 228, C replaced by A.
Protein change: p.Ser76Arg; replaces serine 76 with arginine.
Molecular consequence: missense variant.
Genome position (GRCh38, 1-based): chr1:244,054,002, C>A. VCF-style: chr1-244054002-C-A. GRCh37 (hg19) VCF-style: chr1-244217304-C-A.
Other names: c.201C>A, p.Ser67Arg (NM_001278196.2, NM_006352.5); c.228C>A, p.Ser76Arg (NM_001421566.1); short protein forms S67R, S76R.
Identifiers: ClinVar variation 3372058 (VCV003372058.2).

ClinVar aggregate classification (germline): Uncertain significance (1 of 4 stars; one submission).

Submission:

GeneDx
Classification: Uncertain significance. Last evaluated: 2025-05-22. Review status: criteria provided, single submitter. Criteria: GeneDx Variant Classification Process June 2021. Collection method: clinical testing. Allele origin: germline. Affected: yes.
Comment: Not observed at significant frequency in large population cohorts (gnomAD); In silico analysis supports that this missense variant has a deleterious effect on protein structure/function; Has not been previously published as pathogenic or benign to our knowledge